The following is an entry in ClinVar:

ClinVar aggregate classification (germline): Uncertain significance (0 of 4 stars; one submission).

Conditions:
SEMA3B-related disorder. Also called: SEMA3B-related condition.

gnomAD v4.1: 5 of 1,582,324 alleles (0.00032%); highest among the groups gnomAD compares: East Asian, 0.0023%; no homozygotes.

Submission:

PreventionGenetics, part of Exact Sciences
Classification: Uncertain significance for SEMA3B-related condition. Last evaluated: 2024-08-27. Review status: no assertion criteria provided. Collection method: clinical testing. Allele origin: germline.
Comment: The SEMA3B c.989C>T variant is predicted to result in the amino acid substitution p.Ala330Val. To our knowledge, this variant has not been reported in the literature. This variant is reported in 0.014% of alleles in individuals of East Asian descent in gnomAD. At this time, the clinical significance of this variant is uncertain due to the absence of conclusive functional and genetic evidence.

NM_001290060.2(SEMA3B):c.974C>T (p.Ala325Val)

Gene: SEMA3B (semaphorin 3B; plus strand). Cytogenetic location: 3p21.31.
Variant type: single nucleotide variant.
Coding change: c.974C>T on transcript NM_001290060.2 (MANE Select); coding-DNA position 974, C replaced by T.
Protein change: p.Ala325Val; replaces alanine 325 with valine.
Molecular consequence: missense variant. On other transcripts: 5 prime UTR variant (2).
Genome position (GRCh38, 1-based): chr3:50,273,810, C>T. VCF-style: chr3-50273810-C-T. GRCh37 (hg19) VCF-style: chr3-50311241-C-T.
Other names: c.974C>T, p.Ala325Val (NM_001005914.3, NM_004636.4); c.989C>T, p.Ala330Val (NM_001290061.1); c.-53C>T (NM_001290062.2); c.-56C>T (NM_001290063.2); short protein forms A325V, A330V.
Identifiers: ClinVar variation 3346114 (VCV003346114.1).